The following is an entry in ClinVar:

ClinVar aggregate classification (germline): Conflicting classifications of pathogenicity. Review status: criteria provided, conflicting classifications (1 of 4 stars). 5 submissions from 5 submitters: Uncertain significance (3); Likely benign (1). 1 of the submissions does not count toward it. Last evaluated 2026-10-01.

Conditions:
Cardiovascular phenotype. Identifiers: MedGen CN230736.
Noonan syndrome 9 (NS9). Identifiers: Orphanet 648, MedGen C4225282, MONDO:0014691, OMIM 616559.
SOS2-related disorder. Also called: SOS2-related condition.

Allele frequency attached by ClinVar (database versions not stated): gnomAD 0.00001; gnomAD exomes 0.00001 and 0.00002; TOPMed 0.00001; ExAC 0.00002.
gnomAD v4.1: 6 of 1,613,850 alleles (0.00037%); highest among the groups gnomAD compares: Admixed American, 0.01%; no homozygotes.

Submissions (5):

St. Jude Molecular Pathology, St. Jude Children's Research Hospital
Classification: Uncertain significance for Noonan syndrome 9. Last evaluated: 2026-10-01. Review status: criteria provided, single submitter. Criteria: St. Jude Assertion Criteria 2020. Collection method: clinical testing. Allele origin: germline.
Comment: The SO S2 c.1714G>A p.(Val572Ile) missense change has a maximum subpopulation frequency of 0.01% in gnomAD v2.1.1. The in silico tool REVEL predicts a benign effect on protein function, but to our knowledge this prediction h as not been confirmed by functional studies. To our knowledge, this variant has not been reported in individuals with Noonan syndrome. In summary, the evidence currently available is insufficient to determine the clinical significance of this variant. It has therefore been classified as of uncertain significance.

Labcorp Genetics (formerly Invitae), Labcorp
Classification: Likely benign for Noonan syndrome 9. Last evaluated: 2025-12-20. Review status: criteria provided, single submitter. Criteria: Invitae Variant Classification Sherloc (09022015). Collection method: clinical testing. Allele origin: germline.

Ambry Genetics
Classification: Uncertain significance for Cardiovascular phenotype. Last evaluated: 2025-11-16. Review status: criteria provided, single submitter. Criteria: Ambry Variant Classification Scheme 2023. Collection method: clinical testing. Allele origin: germline.
Comment: The p.V572I variant (also known as c.1714G>A), located in coding exon 10 of the SOS2 gene, results from a G to A substitution at nucleotide position 1714. The valine at codon 572 is replaced by isoleucine, an amino acid with highly similar properties. This amino acid position is conserved. In addition, this alteration is predicted to be tolerated by in silico analysis. Since supporting evidence is limited at this time, the clinical significance of this alteration remains unclear.

Revvity Omics, Revvity
Classification: Uncertain significance for Noonan syndrome 9. Last evaluated: 2024-06-28. Review status: criteria provided, single submitter. Criteria: ACMG Guidelines, 2015. Collection method: clinical testing. Allele origin: germline.

PreventionGenetics, part of Exact Sciences
Classification: Uncertain significance for SOS2-related condition. Last evaluated: 2024-04-04. Review status: no assertion criteria provided. Collection method: clinical testing. Allele origin: germline. Not counted in ClinVar's aggregate classification.
Comment: The SOS2 c.1714G>A variant is predicted to result in the amino acid substitution p.Val572Ile. To our knowledge, this variant has not been reported in the literature. This variant is reported in 0.012% of alleles in individuals of Latino descent in gnomAD. Although we suspect that this variant may be benign, at this time, the clinical significance of this variant is uncertain due to the absence of conclusive functional and genetic evidence.

NM_006939.4(SOS2):c.1714G>A (p.Val572Ile)

Gene: SOS2 (SOS Ras/Rho guanine nucleotide exchange factor 2; minus strand). Cytogenetic location: 14q21.3.
Variant type: single nucleotide variant.
Coding change: c.1714G>A on transcript NM_006939.4 (MANE Select); coding-DNA position 1714, G replaced by A.
Protein change: p.Val572Ile; replaces valine 572 with isoleucine.
Molecular consequence: missense variant.
Genome position (GRCh38, 1-based): chr14:50,159,569, C>T on the plus strand (G>A on the coding strand, the complement: SOS2 is on the minus strand). VCF-style: chr14-50159569-C-T. GRCh37 (hg19) VCF-style: chr14-50626287-C-T.
Other names: c.1714G>A (NM_006939.3, NM_006939.2); short protein forms V572I.
Identifiers: ClinVar variation 1420396 (VCV001420396.11), dbSNP rs762733592, ClinGen allele CA7177247.